The following is an entry in ClinVar:

ClinVar aggregate classification (germline): Uncertain significance. Review status: criteria provided, multiple submitters, no conflicts (2 of 4 stars). 4 submissions from 4 submitters: Uncertain significance (4). Last evaluated 2026-07-18.

Conditions:
Inborn genetic diseases. Identifiers: MedGen C0950123, MeSH D030342.

Allele frequency attached by ClinVar (database versions not stated): ExAC 0.00018; ESP Exome Variant Server 0.00017; gnomAD exomes 0.00017.

Submissions (4):

GeneDx
Classification: Uncertain significance. Last evaluated: 2026-07-18. Review status: criteria provided, single submitter. Criteria: GeneDx Variant Classification Process June 2021. Collection method: clinical testing. Allele origin: germline.
Comment: In silico analysis supports that this missense variant has a deleterious effect on protein structure/function; Has not been previously published as pathogenic or benign to our knowledge

Ambry Genetics
Classification: Uncertain significance for Inborn genetic diseases. Last evaluated: 2025-09-25. Review status: criteria provided, single submitter. Criteria: Ambry Variant Classification Scheme 2023. Collection method: clinical testing. Allele origin: germline.

Women's Health and Genetics/Laboratory Corporation of America, LabCorp
Classification: Uncertain significance. Last evaluated: 2024-04-03. Review status: criteria provided, single submitter. Criteria: LabCorp Variant Classification Summary - May 2015. Collection method: clinical testing. Allele origin: germline.
Comment: Variant summary: PCLO c.5716G>T (p.Gly1906Cys) results in a non-conservative amino acid change in the encoded protein sequence. Three of five in-silico tools predict a damaging effect of the variant on protein function. The variant allele was found at a frequency of 0.00017 in 248256 control chromosomes. This frequency is not significantly higher than estimated for a pathogenic variant in PCLO causing Pontocerebellar Hypoplasia Type 3, allowing no conclusion about variant significance. To our knowledge, no occurrence of c.5716G>T in individuals affected with Pontocerebellar Hypoplasia Type 3 and no experimental evidence demonstrating its impact on protein function have been reported. ClinVar contains an entry for this variant (Variation ID: 1354589). Based on the evidence outlined above, the variant was classified as uncertain significance.

Labcorp Genetics (formerly Invitae), Labcorp
Classification: Uncertain significance. Last evaluated: 2022-09-27. Review status: criteria provided, single submitter. Criteria: Invitae Variant Classification Sherloc (09022015). Collection method: clinical testing. Allele origin: germline.
Comment: This sequence change replaces glycine, which is neutral and non-polar, with cysteine, which is neutral and slightly polar, at codon 1906 of the PCLO protein (p.Gly1906Cys). This variant is present in population databases (rs202091944, gnomAD 0.03%). This variant has not been reported in the literature in individuals affected with PCLO-related conditions. ClinVar contains an entry for this variant (Variation ID: 1354589). Algorithms developed to predict the effect of missense changes on protein structure and function are either unavailable or do not agree on the potential impact of this missense change (SIFT: "Deleterious"; PolyPhen-2: "Not Available"; Align-GVGD: "Class C0"). In summary, the available evidence is currently insufficient to determine the role of this variant in disease. Therefore, it has been classified as a Variant of Uncertain Significance.

NM_033026.6(PCLO):c.5716G>T (p.Gly1906Cys)

Gene: PCLO (piccolo presynaptic cytomatrix protein; minus strand). Cytogenetic location: 7q21.11.
Variant type: single nucleotide variant.
Coding change: c.5716G>T on transcript NM_033026.6 (MANE Select); coding-DNA position 5716, G replaced by T.
Protein change: p.Gly1906Cys; replaces glycine 1906 with cysteine.
Molecular consequence: missense variant.
Genome position (GRCh38, 1-based): chr7:82,955,237, C>A on the plus strand (G>T on the coding strand, the complement: PCLO is on the minus strand). VCF-style: chr7-82955237-C-A. GRCh37 (hg19) VCF-style: chr7-82584553-C-A.
Other names: c.5716G>T, p.Gly1906Cys (NM_014510.3); c.5716G>T (NM_033026.5); short protein forms G1906C.
Identifiers: ClinVar variation 1354589 (VCV001354589.8), dbSNP rs202091944, ClinGen allele CA4320596.